The following is an entry in ClinVar:

ClinVar aggregate classification (germline): Uncertain significance (1 of 4 stars; one submission).

Submission:

Ambry Genetics
Classification: Uncertain significance. Last evaluated: 2022-11-26. Review status: criteria provided, single submitter. Criteria: Ambry Variant Classification Scheme 2023. Collection method: clinical testing. Allele origin: germline.
Comment: The p.S257F variant (also known as c.770C>T), located in coding exon 1 of the PALLD gene, results from a C to T substitution at nucleotide position 770. The serine at codon 257 is replaced by phenylalanine, an amino acid with highly dissimilar properties. This amino acid position is conserved. In addition, this alteration is predicted to be tolerated by in silico analysis. Since supporting evidence is limited at this time, the clinical significance of this alteration remains unclear.

NM_001166108.2(PALLD):c.770C>T (p.Ser257Phe)

Gene: PALLD (palladin, cytoskeletal associated protein; plus strand). Cytogenetic location: 4q32.3.
Variant type: single nucleotide variant.
Coding change: c.770C>T on transcript NM_001166108.2 (MANE Select); coding-DNA position 770, C replaced by T.
Protein change: p.Ser257Phe; replaces serine 257 with phenylalanine.
Molecular consequence: missense variant.
Genome position (GRCh38, 1-based): chr4:168,512,274, C>T. VCF-style: chr4-168512274-C-T. GRCh37 (hg19) VCF-style: chr4-169433425-C-T.
Other names: c.770C>T, p.Ser257Phe (NM_016081.4); short protein forms S257F.
Identifiers: ClinVar variation 2448457 (VCV002448457.2), dbSNP rs2531436665, ClinGen allele CA358728294.